The following is an entry in ClinVar:

ClinVar aggregate classification (germline): Likely benign. Review status: criteria provided, multiple submitters, no conflicts (2 of 4 stars). 3 submissions from 3 submitters: Likely benign (3). Last evaluated 2025-02-03.

Conditions:
Hereditary cancer-predisposing syndrome. Also called: Neoplastic Syndromes, Hereditary; Hereditary Cancer Syndrome; Tumor predisposition; Hereditary neoplastic syndrome. Identifiers: Orphanet 140162, MedGen C0027672, MeSH D009386, MONDO:0015356.
PALB2-related disorder. Also called: PALB2-related disorders; PALB2-related condition.

Submissions (3):

PreventionGenetics, part of Exact Sciences
Classification: Likely benign for PALB2-related condition. Last evaluated: 2025-02-03. Review status: criteria provided, single submitter. Criteria: ACMG Guidelines, 2015. Collection method: clinical testing. Allele origin: germline.
Comment: This variant is classified as likely benign based on ACMG/AMP sequence variant interpretation guidelines (Richards et al. 2015 PMID: 25741868, with internal and published modifications).

Ambry Genetics
Classification: Likely benign for Hereditary cancer-predisposing syndrome. Last evaluated: 2019-01-25. Review status: criteria provided, single submitter. Criteria: Ambry Variant Classification Scheme 2023. Collection method: clinical testing. Allele origin: germline.

Color Diagnostics, LLC DBA Color Health
Classification: Likely benign for Hereditary cancer-predisposing syndrome. Last evaluated: 2018-11-16. Review status: criteria provided, single submitter. Criteria: ACMG Guidelines, 2015. Collection method: clinical testing. Allele origin: germline.

NM_024675.4(PALB2):c.519G>A (p.Gly173=)

Gene: PALB2 (partner and localizer of BRCA2; minus strand). Cytogenetic location: 16p12.2.
Variant type: single nucleotide variant.
Coding change: c.519G>A on transcript NM_024675.4 (MANE Select); coding-DNA position 519, G replaced by A.
Protein change: p.Gly173=; no amino-acid change (glycine 173 retained).
Molecular consequence: synonymous variant.
Genome position (GRCh38, 1-based): chr16:23,636,027, C>T on the plus strand (G>A on the coding strand, the complement: PALB2 is on the minus strand). VCF-style: chr16-23636027-C-T. GRCh37 (hg19) VCF-style: chr16-23647348-C-T.
Identifiers: ClinVar variation 825533 (VCV000825533.7), dbSNP rs1597099004, ClinGen allele CA494461856.
Genomic context (GRCh38, chr16:23,636,027, plus strand): 5'-AGTTACTGGTGATCTAGCAGGATTTTTGCTACTGATTTCTTCCTGTTCCTTTAGTCTTTT[C>T]CCAGACAATCTGAGTGAATCAGTGCCAAAGACACAGTCTCTCTCCTGTGAAATAAATGTC-3'
Protein context (NP_078951.2, residues 163-183): VFGTDSLRLS[Gly173=]KRLKEQEEIS